The following is an entry in ClinVar:

ClinVar aggregate classification (germline): Likely pathogenic (1 of 4 stars; one submission).

Conditions:
Dilated cardiomyopathy 1G (CMD1G). Identifiers: Orphanet 154, MedGen C1858763, MONDO:0011400, OMIM 604145.
Autosomal recessive limb-girdle muscular dystrophy type 2J (LGMDR10). Also called: Limb-girdle muscular dystrophy, type 2J; MUSCULAR DYSTROPHY, LIMB-GIRDLE, AUTOSOMAL RECESSIVE 10. Identifiers: Orphanet 140922, MedGen C1837342, MONDO:0012127, OMIM 608807.

Allele frequency attached by ClinVar (database versions not stated): gnomAD exomes below 0.00001; ExAC 0.00001; gnomAD 0.00001.
gnomAD v4.1: 3 of 1,610,650 alleles (0.00019%); highest among the groups gnomAD compares: Admixed American, 0.0034%; no homozygotes.

Submission:

Labcorp Genetics (formerly Invitae), Labcorp
Classification: Likely pathogenic for Dilated cardiomyopathy 1G; Autosomal recessive limb-girdle muscular dystrophy type 2J. Last evaluated: 2024-01-02. Review status: criteria provided, single submitter. Criteria: Invitae Variant Classification Sherloc (09022015). Collection method: clinical testing. Allele origin: germline.
Comment: This sequence change creates a premature translational stop signal (p.Glu11613*) in the TTN gene. While this is not anticipated to result in nonsense mediated decay, it is expected to create a truncated TTN protein. This variant is present in population databases (rs766945794, gnomAD 0.003%). This variant has not been reported in the literature in individuals affected with TTN-related conditions. ClinVar contains an entry for this variant (Variation ID: 1055997). Algorithms developed to predict the effect of sequence changes on RNA splicing suggest that this variant may disrupt the consensus splice site. This variant is located in the I band of TTN (PMID: 25589632). Truncating variants in this region have been reported in individuals affected with autosomal recessive centronuclear myopathy (PMID: 23975875). Truncating variants in this region have also been identified in individuals affected with autosomal dominant dilated cardiomyopathy and/or cardio-related conditions (PMID: 27869827, 32964742). In summary, the currently available evidence indicates that the variant is pathogenic, but additional data are needed to prove that conclusively. Therefore, this variant has been classified as Likely Pathogenic.

Literature cited by the submitters: PubMed 25589632; PubMed 23975875; PubMed 27869827; PubMed 32964742.

NM_001267550.2(TTN):c.34837G>T (p.Glu11613Ter)

Gene: TTN (titin; minus strand). Cytogenetic location: 2q31.2.
Variant type: single nucleotide variant.
Coding change: c.34837G>T on transcript NM_001267550.2 (MANE Select); coding-DNA position 34837, G replaced by T.
Protein change: p.Glu11613Ter; replaces glutamic acid 11613 with a stop codon.
Molecular consequence: nonsense. On other transcripts: intron variant (3).
Genome position (GRCh38, 1-based): chr2:178,672,653, C>A on the plus strand (G>T on the coding strand, the complement: TTN is on the minus strand). VCF-style: chr2-178672653-C-A. GRCh37 (hg19) VCF-style: chr2-179537380-C-A.
Other names: c.33715G>T, p.Glu11239Ter (NM_001256850.1); c.30934G>T, p.Glu10312Ter (NM_133378.4); c.13283-30336G>T (NM_003319.4); c.13859-30336G>T (NM_133437.4); c.13658-30336G>T (NM_133432.3); short protein forms E10312*, E11239*, E11613*.
Identifiers: ClinVar variation 1055997 (VCV001055997.9), dbSNP rs766945794, ClinGen allele CA1997962.